The following is an entry in ClinVar:

NM_021870.3(FGG):c.680G>A (p.Ser227Asn)

Gene: FGG (fibrinogen gamma chain; minus strand). Cytogenetic location: 4q32.1.
Variant type: single nucleotide variant.
Coding change: c.680G>A on transcript NM_021870.3 (MANE Select); coding-DNA position 680, G replaced by A.
Protein change: p.Ser227Asn; replaces serine 227 with asparagine.
Molecular consequence: missense variant.
Genome position (GRCh38, 1-based): chr4:154,608,637, C>T on the plus strand (G>A on the coding strand, the complement: FGG is on the minus strand). VCF-style: chr4-154608637-C-T. GRCh37 (hg19) VCF-style: chr4-155529789-C-T.
Other names: c.680G>A, p.Ser227Asn (NM_000509.6); short protein forms S227N.
Identifiers: ClinVar variation 4752860 (VCV004752860.1).
Genomic context (GRCh38, chr4:154,608,637, plus strand): 5'-GTAGGAGACAGATGTCCAAATCCTTCTTTATATTGAATCCAGTTTTTCTTGAAATCTACA[C>T]TGCCATCAAGTCTCTAATTACACATTTGCAAGAGCAAAAGGAGAAAATAGACTATCAATG-3'
Protein context (NP_068656.2, residues 217-237): WTVFQKRLDG[Ser227Asn]VDFKKNWIQY

ClinVar aggregate classification (germline): Uncertain significance (1 of 4 stars; one submission).

Submission:

Labcorp Genetics (formerly Invitae), Labcorp
Classification: Uncertain significance. Last evaluated: 2025-10-09. Review status: criteria provided, single submitter. Criteria: Invitae Variant Classification Sherloc (09022015). Collection method: clinical testing. Allele origin: germline.
Comment: This sequence change replaces serine, which is neutral and polar, with asparagine, which is neutral and polar, at codon 227 of the FGG protein (p.Ser227Asn). This variant is present in population databases (rs372737021, gnomAD 0.0009%). This variant has not been reported in the literature in individuals affected with FGG-related conditions. Invitae Evidence Modeling of protein sequence and biophysical properties (such as structural, functional, and spatial information, amino acid conservation, physicochemical variation, residue mobility, and thermodynamic stability) indicates that this missense variant is expected to disrupt FGG protein function with a positive predictive value of 80%. In summary, the available evidence is currently insufficient to determine the role of this variant in disease. Therefore, it has been classified as a Variant of Uncertain Significance.